The following is an entry in ClinVar:

ClinVar aggregate classification (germline): Uncertain significance (1 of 4 stars; one submission).

Allele frequency attached by ClinVar (database versions not stated): gnomAD exomes below 0.00001 and 0.00001.
gnomAD v4.1: 1 of 1,581,718 alleles (0.000063%); highest among the groups gnomAD compares: Admixed American, 0.0019%; no homozygotes.

Submission:

Labcorp Genetics (formerly Invitae), Labcorp
Classification: Uncertain significance. Last evaluated: 2022-07-18. Review status: criteria provided, single submitter. Criteria: Invitae Variant Classification Sherloc (09022015). Collection method: clinical testing. Allele origin: germline.
Comment: This sequence change replaces glutamine, which is neutral and polar, with histidine, which is basic and polar, at codon 581 of the DUOX2 protein (p.Gln581His). The frequency data for this variant in the population databases is considered unreliable, as metrics indicate poor data quality at this position in the gnomAD database. This variant has not been reported in the literature in individuals affected with DUOX2-related conditions. ClinVar contains an entry for this variant (Variation ID: 1397534). Advanced modeling of protein sequence and biophysical properties (such as structural, functional, and spatial information, amino acid conservation, physicochemical variation, residue mobility, and thermodynamic stability) performed at Invitae indicates that this missense variant is not expected to disrupt DUOX2 protein function. In summary, the available evidence is currently insufficient to determine the role of this variant in disease. Therefore, it has been classified as a Variant of Uncertain Significance.

NM_001363711.2(DUOX2):c.1743G>T (p.Gln581His)

Gene: DUOX2 (dual oxidase 2; minus strand). Cytogenetic location: 15q21.1.
Variant type: single nucleotide variant.
Coding change: c.1743G>T on transcript NM_001363711.2 (MANE Select); coding-DNA position 1743, G replaced by T.
Protein change: p.Gln581His; replaces glutamine 581 with histidine.
Molecular consequence: missense variant.
Genome position (GRCh38, 1-based): chr15:45,106,920, C>A on the plus strand (G>T on the coding strand, the complement: DUOX2 is on the minus strand). VCF-style: chr15-45106920-C-A. GRCh37 (hg19) VCF-style: chr15-45399118-C-A.
Other names: c.1743G>T, p.Gln581His (NM_014080.5); short protein forms Q581H.
Identifiers: ClinVar variation 1397534 (VCV001397534.3), dbSNP rs1282973122, ClinGen allele CA392274361.
Genomic context (GRCh38, chr15:45,106,920, plus strand): 5'-GGTGATGGCAAAACCAGGGCTGCTGCCTTCAAAGAAGTCAAGCACAGTCAGGGGTGCACA[C>A]TGGGGCAGGCCGTCAGTTGTGAGCTGCTTAGGTTGAGGGCAGGGTGCACCTGAGGGAGAG-3'
Protein context (NP_001350640.1, residues 571-591): PKQLTTDGLP[Gln581His]CAPLTVLDFF